The following is an entry in ClinVar:

ClinVar aggregate classification (germline): Uncertain significance. Review status: criteria provided, multiple submitters, no conflicts (2 of 4 stars). 2 submissions from 2 submitters: Uncertain significance (2). Last evaluated 2026-07-07.

Conditions:
Inborn genetic diseases. Identifiers: MedGen C0950123, MeSH D030342.
Deafness-lymphedema-leukemia syndrome. Also called: Lymphedema, primary, with myelodysplasia; Emberger syndrome. Identifiers: Orphanet 3226, MedGen C3279664, MONDO:0013540, OMIM 614038.
Monocytopenia with susceptibility to infections. Also called: COMBINED IMMUNODEFICIENCY WITH SUSCEPTIBILITY TO MYCOBACTERIAL, VIRAL, AND FUNGAL INFECTIONS; MONOCYTOPENIA AND MYCOBACTERIAL INFECTION SYNDROME; MONOCYTOPENIA WITH SUSCEPTIBILITY TO MYCOBACTERIAL, FUNGAL, AND PAPILLOMAVIRUS INFECTIONS AND MYELODYSPLASIA; Dendritic cell, monocyte, B lymphocyte, and natural killer lymphocyte deficiency; IMMUNODEFICIENCY 21; GATA2 DEFICIENCY. Identifiers: Orphanet 228423, MedGen C3280030, MONDO:0013607, OMIM 614172.

Submissions (2):

Ambry Genetics
Classification: Uncertain significance for Inborn genetic diseases. Last evaluated: 2026-07-07. Review status: criteria provided, single submitter. Criteria: Ambry Variant Classification Scheme 2023. Collection method: clinical testing. Allele origin: germline.
Comment: The p.A478V variant (also known as c.1433C>T), located in coding exon 5 of the GATA2 gene, results from a C to T substitution at nucleotide position 1433. The alanine at codon 478 is replaced by valine, an amino acid with similar properties. This amino acid position is conserved. In addition, the in silico prediction for this alteration is inconclusive. Based on the available evidence, the clinical significance of this variant remains unclear.

Labcorp Genetics (formerly Invitae), Labcorp
Classification: Uncertain significance for Monocytopenia with susceptibility to infections; Deafness-lymphedema-leukemia syndrome. Last evaluated: 2019-04-12. Review status: criteria provided, single submitter. Criteria: Invitae Variant Classification Sherloc (09022015). Collection method: clinical testing. Allele origin: germline.
Comment: This sequence change replaces alanine with valine at codon 478 of the GATA2 protein (p.Ala478Val). The alanine residue is moderately conserved and there is a small physicochemical difference between alanine and valine. This variant is not present in population databases (ExAC no frequency). This variant has not been reported in the literature in individuals with GATA2-related conditions. Algorithms developed to predict the effect of missense changes on protein structure and function are either unavailable or do not agree on the potential impact of this missense change (SIFT: "Tolerated"; PolyPhen-2: "Probably Damaging"; Align-GVGD: "Class C0"). In summary, the available evidence is currently insufficient to determine the role of this variant in disease. Therefore, it has been classified as a Variant of Uncertain Significance.

NM_032638.5(GATA2):c.1433C>T (p.Ala478Val)

Gene: GATA2 (GATA binding protein 2; minus strand). Cytogenetic location: 3q21.3.
Variant type: single nucleotide variant.
Coding change: c.1433C>T on transcript NM_032638.5 (MANE Select); coding-DNA position 1433, C replaced by T.
Protein change: p.Ala478Val; replaces alanine 478 with valine.
Molecular consequence: missense variant.
Genome position (GRCh38, 1-based): chr3:128,481,029, G>A on the plus strand (C>T on the coding strand, the complement: GATA2 is on the minus strand). VCF-style: chr3-128481029-G-A. GRCh37 (hg19) VCF-style: chr3-128199872-G-A.
Other names: c.1433C>T, p.Ala478Val (NM_001145661.2); c.1391C>T, p.Ala464Val (NM_001145662.1); c.1433C>T (NM_001145661.1); short protein forms A478V, A464V.
Identifiers: ClinVar variation 952553 (VCV000952553.10), dbSNP rs2068619351, ClinGen allele CA354412392.